The following is an entry in ClinVar:

NM_020822.3(KCNT1):c.1666T>C (p.Cys556Arg)

Gene: KCNT1 (potassium sodium-activated channel subfamily T member 1; plus strand). Cytogenetic location: 9q34.3.
Variant type: single nucleotide variant.
Coding change: c.1666T>C on transcript NM_020822.3 (MANE Select); coding-DNA position 1666, T replaced by C.
Protein change: p.Cys556Arg; replaces cysteine 556 with arginine.
Molecular consequence: missense variant.
Genome position (GRCh38, 1-based): chr9:135,770,344, T>C. VCF-style: chr9-135770344-T-C. GRCh37 (hg19) VCF-style: chr9-138662190-T-C.
Other names: c.1531T>C, p.Cys511Arg (NM_001272003.2); short protein forms C511R, C556R.
Identifiers: ClinVar variation 3252842 (VCV003252842.2), dbSNP rs2490964639.

ClinVar aggregate classification (germline): Uncertain significance (1 of 4 stars; one submission).

Allele frequency attached by ClinVar (database versions not stated): gnomAD exomes below 0.00001.
gnomAD v4.1: 1 of 1,612,650 alleles (0.000062%); no homozygotes.

Submission:

GeneDx
Classification: Uncertain significance. Last evaluated: 2025-07-07. Review status: criteria provided, single submitter. Criteria: GeneDx Variant Classification Process June 2021. Collection method: clinical testing. Allele origin: germline.
Comment: Not observed at significant frequency in large population cohorts (gnomAD); In silico analysis supports that this missense variant has a deleterious effect on protein structure/function; Has not been previously published as pathogenic or benign to our knowledge